The following is an entry in ClinVar:

ClinVar aggregate classification (germline): Uncertain significance (1 of 4 stars; one submission).

Conditions:
Familial cancer of breast. Also called: hereditary breast carcinoma; BREAST CANCER, FAMILIAL; Hereditary breast cancer. Identifiers: Orphanet 227535, MedGen C0346153, MONDO:0016419, OMIM 114480. Disease mechanism: loss of function.

Submission:

Labcorp Genetics (formerly Invitae), Labcorp
Classification: Uncertain significance for Familial cancer of breast. Last evaluated: 2022-06-28. Review status: criteria provided, single submitter. Criteria: Invitae Variant Classification Sherloc (09022015). Collection method: clinical testing. Allele origin: germline.
Comment: In summary, the available evidence is currently insufficient to determine the role of this variant in disease. Therefore, it has been classified as a Variant of Uncertain Significance. Variants that disrupt the consensus splice site are a relatively common cause of aberrant splicing (PMID: 17576681, 9536098). Algorithms developed to predict the effect of sequence changes on RNA splicing suggest that this variant may disrupt the consensus splice site. This variant has not been reported in the literature in individuals affected with CHEK2-related conditions. This variant is not present in population databases (gnomAD no frequency). This sequence change falls in intron 10 of the CHEK2 gene. It does not directly change the encoded amino acid sequence of the CHEK2 protein. It affects a nucleotide within the consensus splice site.

Literature cited by the submitters: PubMed 17576681; PubMed 9536098.

NM_007194.4(CHEK2):c.1096-3T>G

Gene: CHEK2 (checkpoint kinase 2; minus strand). Cytogenetic location: 22q12.1.
Variant type: single nucleotide variant.
Coding change: c.1096-3T>G on transcript NM_007194.4 (MANE Select); 3 bases into the intron before coding-DNA position 1096, T replaced by G.
Molecular consequence: intron variant.
Genome position (GRCh38, 1-based): chr22:28,695,876, A>C on the plus strand (T>G on the coding strand, the complement: CHEK2 is on the minus strand). VCF-style: chr22-28695876-A-C. GRCh37 (hg19) VCF-style: chr22-29091864-A-C.
Other names: c.433-3T>G (NM_001437942.1, NM_001257387.3); c.895-3T>G (NM_001349956.3); c.1009-3T>G (NM_145862.3); c.1102-3T>G (NM_001438295.1); c.1189-3T>G (NM_001438293.1); c.1138-3T>G (NM_001438294.1); c.1225-3T>G (NM_001005735.3).
Identifiers: ClinVar variation 2011725 (VCV002011725.4), dbSNP rs2145807406, ClinGen allele CA2580099537.